The following is an entry in ClinVar:

NM_001148.6(ANK2):c.11525G>A (p.Arg3842Gln)

Gene: ANK2 (ankyrin 2; plus strand). Cytogenetic location: 4q26.
Variant type: single nucleotide variant.
Coding change: c.11525G>A on transcript NM_001148.6 (MANE Select); coding-DNA position 11525, G replaced by A.
Protein change: p.Arg3842Gln; replaces arginine 3842 with glutamine.
Molecular consequence: missense variant.
Genome position (GRCh38, 1-based): chr4:113,369,720, G>A. VCF-style: chr4-113369720-G-A. GRCh37 (hg19) VCF-style: chr4-114290876-G-A.
Other names: c.5243G>A, p.Arg1748Gln (NM_001127493.3); c.5282G>A, p.Arg1761Gln (NM_001354225.2); c.5171G>A, p.Arg1724Gln (NM_001354228.2, NM_001354258.2); c.5249G>A, p.Arg1750Gln (NM_001354230.2); c.5312G>A, p.Arg1771Gln (NM_001354231.2, NM_001354242.2); c.5306G>A, p.Arg1769Gln (NM_001354232.2); c.5267G>A, p.Arg1756Gln (NM_001354235.2, NM_001354246.2, NM_001354265.2); c.5168G>A, p.Arg1723Gln (NM_001354236.2); and 35 more; short protein forms R1748Q, R3842Q, R1629Q, R1662Q, R1710Q, R1735Q, R1736Q, R1750Q.
Identifiers: ClinVar variation 234767 (VCV000234767.21), dbSNP rs770954138, ClinGen allele CA3052301.

ClinVar aggregate classification (germline): Uncertain significance. Review status: criteria provided, multiple submitters, no conflicts (2 of 4 stars). 5 submissions from 5 submitters: Uncertain significance (5). Last evaluated 2025-12-01.

Conditions:
Cardiovascular phenotype. Identifiers: MedGen CN230736.
Long QT syndrome (LQTS). Identifiers: MedGen C0023976, MeSH D008133, MONDO:0002442. Disease mechanism: loss of function. Inheritance: Various modes of inheritance.
Cardiac arrhythmia, ankyrin-B-related. Also called: ANKYRIN-B SYNDROME. Identifiers: Orphanet 101016, Orphanet 768, MedGen C1970119, MONDO:0010958, OMIM 600919.

Allele frequency attached by ClinVar (database versions not stated): TOPMed 0.00005; gnomAD 0.00006; gnomAD exomes 0.00003; ExAC 0.00004.
gnomAD v4.1: 56 of 1,613,952 alleles (0.0035%); highest among the groups gnomAD compares: African/African-American, 0.008%; no homozygotes.

Submissions (5):

Labcorp Genetics (formerly Invitae), Labcorp
Classification: Uncertain significance for Long QT syndrome. Last evaluated: 2025-12-01. Review status: criteria provided, single submitter. Criteria: Invitae Variant Classification Sherloc (09022015). Collection method: clinical testing. Allele origin: germline.
Comment: This sequence change replaces arginine, which is basic and polar, with glutamine, which is neutral and polar, at codon 3842 of the ANK2 protein (p.Arg3842Gln). This variant is present in population databases (rs770954138, gnomAD 0.004%). This variant has not been reported in the literature in individuals affected with ANK2-related conditions. ClinVar contains an entry for this variant (Variation ID: 234767). Invitae Evidence Modeling of protein sequence and biophysical properties (such as structural, functional, and spatial information, amino acid conservation, physicochemical variation, residue mobility, and thermodynamic stability) indicates that this missense variant is not expected to disrupt ANK2 protein function with a negative predictive value of 80%. In summary, the available evidence is currently insufficient to determine the role of this variant in disease. Therefore, it has been classified as a Variant of Uncertain Significance.

Ambry Genetics
Classification: Uncertain significance for Cardiovascular phenotype. Last evaluated: 2025-11-13. Review status: criteria provided, single submitter. Criteria: Ambry Variant Classification Scheme 2023. Collection method: clinical testing. Allele origin: germline.
Comment: The p.R3842Q variant (also known as c.11525G>A), located in coding exon 43 of the ANK2 gene, results from a G to A substitution at nucleotide position 11525. The arginine at codon 3842 is replaced by glutamine, an amino acid with highly similar properties. This amino acid position is not well conserved in available vertebrate species. In addition, this alteration is predicted to be tolerated by in silico analysis. According to data from gnomAD, the frequency for this variant is above the maximum credible frequency for a cardiac disease-causing variant in this gene based on internally established thresholds (Karczewski et al. Nature. 2020 May;581(7809):434-443; Whiffin et al. Genet Med. 2017 10;19:1151-1158). Based on the supporting evidence, the association of this alteration with ANK2-related neurodevelopmental disorder is unknown; however, the association with ANK2-related arrhythmia is unlikely.

Fulgent Genetics
Classification: Uncertain significance for Cardiac arrhythmia, ankyrin-B-related. Last evaluated: 2021-12-17. Review status: criteria provided, single submitter. Criteria: ACMG Guidelines, 2015. Collection method: clinical testing. Allele origin: unknown.

ARUP Laboratories, Molecular Genetics and Genomics, ARUP Laboratories
Classification: Uncertain significance. Last evaluated: 2020-05-29. Review status: criteria provided, single submitter. Criteria: ARUP Molecular Germline Variant Investigation Process. Collection method: clinical testing. Allele origin: germline.
Comment: The ANK2 c.11525G>A; p.Arg3842Gln variant (rs770954138), to our knowledge, is not reported in the medical literature but is reported in ClinVar (Variation ID: 234767). This variant is only observed on eight alleles in the Genome Aggregation Database, indicating it is not a common polymorphism. The arginine at codon 3842 is moderately conserved, and computational analyses (SIFT, PolyPhen-2) predict that this variant is tolerated. Due to limited information, the clinical significance of the p.Arg3842Gln variant is uncertain at this time.

GeneDx
Classification: Uncertain significance. Last evaluated: 2017-11-22. Review status: criteria provided, single submitter. Criteria: GeneDx Variant Classification (06012015). Collection method: clinical testing. Allele origin: germline. Affected: yes.
Comment: A variant of uncertain significance has been identified in the ANK2 gene. The R3842Q variant has not been published as pathogenic or reported as benign to our knowledge. This variant is not observed at a significant frequency in large population cohorts (Lek et al., 2016). The R3842Q variant is a semi-conservative amino acid substitution, which may impact secondary protein structure as these residues differ in some properties. However, in-silico analyses, including protein predictors and evolutionary conservation, support that this variant does not alter protein structure/function. Finally, while missense variants in nearby residues (S3839T, T3844N) have been reported in the Human Gene Mutation Database in association with LQTS (Stenson et al., 2014), the pathogenicity of these variants has not been definitively determined.